The following is an entry in ClinVar:

NM_006939.4(SOS2):c.969+5A>G

Gene: SOS2 (SOS Ras/Rho guanine nucleotide exchange factor 2; minus strand). Cytogenetic location: 14q21.3.
Variant type: single nucleotide variant.
Coding change: c.969+5A>G on transcript NM_006939.4 (MANE Select); 5 bases into the intron after coding-DNA position 969, A replaced by G.
Molecular consequence: intron variant.
Genome position (GRCh38, 1-based): chr14:50,180,567, T>C on the plus strand (A>G on the coding strand, the complement: SOS2 is on the minus strand). VCF-style: chr14-50180567-T-C. GRCh37 (hg19) VCF-style: chr14-50647285-T-C.
Other names: c.969+5A>G (NM_001411020.1).
Identifiers: ClinVar variation 2867186 (VCV002867186.3), dbSNP rs2503093114, ClinGen allele CA2624772257.
Genomic context (GRCh38, chr14:50,180,567, plus strand): 5'-AATAGTGAGATATTTATTTGCTTTATTAAAAAAAAAAAAAAAAAAAACCTTCAATTTAAG[T>C]TTACCTGAAAGTGTAGAGCAACTGCAGGTCTGGCCATCAATTTATTGAAATGTTCATGAA-3'

ClinVar aggregate classification (germline): Uncertain significance (1 of 4 stars; one submission).

Conditions:
Noonan syndrome 9 (NS9). Identifiers: Orphanet 648, MedGen C4225282, MONDO:0014691, OMIM 616559.

Submission:

Labcorp Genetics (formerly Invitae), Labcorp
Classification: Uncertain significance for Noonan syndrome 9. Last evaluated: 2023-05-22. Review status: criteria provided, single submitter. Criteria: Invitae Variant Classification Sherloc (09022015). Collection method: clinical testing. Allele origin: germline.
Comment: This sequence change falls in intron 7 of the SOS2 gene. It does not directly change the encoded amino acid sequence of the SOS2 protein. It affects a nucleotide within the consensus splice site. This variant is not present in population databases (gnomAD no frequency). This variant has not been reported in the literature in individuals affected with SOS2-related conditions. Variants that disrupt the consensus splice site are a relatively common cause of aberrant splicing (PMID: 17576681, 9536098). Algorithms developed to predict the effect of sequence changes on RNA splicing suggest that this variant is not likely to affect RNA splicing. In summary, the available evidence is currently insufficient to determine the role of this variant in disease. Therefore, it has been classified as a Variant of Uncertain Significance.

Literature cited by the submitters: PubMed 17576681; PubMed 9536098.